The following is an entry in ClinVar:

NM_001370658.1(BTD):c.1226A>C (p.Glu409Ala)

Gene: BTD (biotinidase; plus strand). Cytogenetic location: 3p25.1.
Variant type: single nucleotide variant.
Coding change: c.1226A>C on transcript NM_001370658.1 (MANE Select); coding-DNA position 1226, A replaced by C.
Protein change: p.Glu409Ala; replaces glutamic acid 409 with alanine.
Molecular consequence: missense variant. On other transcripts: intron variant (2).
Genome position (GRCh38, 1-based): chr3:15,645,142, A>C. VCF-style: chr3-15645142-A-C. GRCh37 (hg19) VCF-style: chr3-15686649-A-C.
Other names: c.1226A>C, p.Glu409Ala (NM_001407369.1, NM_001407370.1, NM_001407371.1 and 16 more transcripts); c.1286A>C, p.Glu429Ala (NM_000060.4); c.1015+211A>C (NM_001370752.1); c.399+3085A>C (NM_001370753.1); short protein forms E409A, E429A.
Identifiers: ClinVar variation 1525004 (VCV001525004.7), dbSNP rs2125505114, ClinGen allele CA351608471.

ClinVar aggregate classification (germline): Uncertain significance (1 of 4 stars; one submission).

Conditions:
Biotinidase deficiency. Also called: BTD deficiency; Late-onset biotin-responsive multiple carboxylase deficiency; Biotin deficiency. Identifiers: Orphanet 79241, MedGen C0220754, MONDO:0009665, OMIM 253260.

Allele frequency attached by ClinVar (database versions not stated): gnomAD exomes below 0.00001.
gnomAD v4.1: 1 of 1,614,152 alleles (0.000062%); highest among the groups gnomAD compares: African/African-American, 0.0013%; no homozygotes.

Submission:

Labcorp Genetics (formerly Invitae), Labcorp
Classification: Uncertain significance for Biotinidase deficiency. Last evaluated: 2021-10-13. Review status: criteria provided, single submitter. Criteria: Invitae Variant Classification Sherloc (09022015). Collection method: clinical testing. Allele origin: germline.
Comment: In summary, the available evidence is currently insufficient to determine the role of this variant in disease. Therefore, it has been classified as a Variant of Uncertain Significance. Algorithms developed to predict the effect of missense changes on protein structure and function (SIFT, PolyPhen-2, Align-GVGD) all suggest that this variant is likely to be tolerated. This variant has not been reported in the literature in individuals affected with BTD-related conditions. This variant is not present in population databases (ExAC no frequency). This sequence change replaces glutamic acid with alanine at codon 429 of the BTD protein (p.Glu429Ala). The glutamic acid residue is weakly conserved and there is a moderate physicochemical difference between glutamic acid and alanine.